The following is an entry in ClinVar:

NM_006904.7(PRKDC):c.738G>T (p.Arg246Ser)

Gene: PRKDC (protein kinase, DNA-activated, catalytic subunit; minus strand). Cytogenetic location: 8q11.21.
Variant type: single nucleotide variant.
Coding change: c.738G>T on transcript NM_006904.7 (MANE Select); coding-DNA position 738, G replaced by T.
Protein change: p.Arg246Ser; replaces arginine 246 with serine.
Molecular consequence: missense variant.
Genome position (GRCh38, 1-based): chr8:47,944,013, C>A on the plus strand (G>T on the coding strand, the complement: PRKDC is on the minus strand). VCF-style: chr8-47944013-C-A. GRCh37 (hg19) VCF-style: chr8-48856573-C-A.
Other names: c.738G>T, p.Arg246Ser (NM_001081640.2); short protein forms R246S.
Identifiers: ClinVar variation 3225906 (VCV003225906.1), dbSNP rs2551880822, ClinGen allele CA371136699.
Genomic context (GRCh38, chr8:47,944,013, plus strand): 5'-TAATAGTAATATTAATCCTACCTGAGGACGAATTGCCTTTAGTACAAAATTAAAAATCTC[C>A]CTTGAAGTCTGGGGATCTAGGGAAATACCAAGAAGCCTGTTACAAATCGTAATAACAGTA-3'
Protein context (NP_008835.5, residues 236-256): KSMEEDPQTS[Arg246Ser]EIFNFVLKAI

ClinVar aggregate classification (germline): Uncertain significance (1 of 4 stars; one submission).

Submission:

Ambry Genetics
Classification: Uncertain significance. Last evaluated: 2023-12-31. Review status: criteria provided, single submitter. Criteria: Ambry Variant Classification Scheme 2023. Collection method: clinical testing. Allele origin: germline.
Comment: The p.R246S variant (also known as c.738G>T), located in coding exon 8 of the PRKDC gene, results from a G to T substitution at nucleotide position 738. The arginine at codon 246 is replaced by serine, an amino acid with dissimilar properties. This amino acid position is conserved. In addition, this alteration is predicted to be tolerated by in silico analysis. Since supporting evidence is limited at this time, the clinical significance of this alteration remains unclear.